The following is an entry in ClinVar:

NM_001001331.4(ATP2B2):c.806G>C (p.Gly269Ala)

Gene: ATP2B2 (ATPase plasma membrane Ca2+ transporting 2; minus strand). Cytogenetic location: 3p25.3.
Variant type: single nucleotide variant.
Coding change: c.806G>C on transcript NM_001001331.4 (MANE Select); coding-DNA position 806, G replaced by C.
Protein change: p.Gly269Ala; replaces glycine 269 with alanine.
Molecular consequence: missense variant.
Genome position (GRCh38, 1-based): chr3:10,388,378, C>G on the plus strand (G>C on the coding strand, the complement: ATP2B2 is on the minus strand). VCF-style: chr3-10388378-C-G. GRCh37 (hg19) VCF-style: chr3-10430062-C-G.
Other names: c.806G>C, p.Gly269Ala (NM_001330611.3, NM_001353564.1, NM_001363862.1 and 1 more transcripts); short protein forms G269A.
Identifiers: ClinVar variation 3375725 (VCV003375725.1).

ClinVar aggregate classification (germline): Uncertain significance (1 of 4 stars; one submission).

Submission:

GeneDx
Classification: Uncertain significance. Last evaluated: 2024-05-10. Review status: criteria provided, single submitter. Criteria: GeneDx Variant Classification Process June 2021. Collection method: clinical testing. Allele origin: germline. Affected: yes.
Comment: Not observed at significant frequency in large population cohorts (gnomAD); In silico analysis supports that this missense variant has a deleterious effect on protein structure/function; Has not been previously published as pathogenic or benign to our knowledge